The following is an entry in ClinVar:

NM_000535.7(PMS2):c.1646T>G (p.Val549Gly)

Gene: PMS2 (PMS1 homolog 2, mismatch repair system component; minus strand). Cytogenetic location: 7p22.1.
Variant type: single nucleotide variant.
Coding change: c.1646T>G on transcript NM_000535.7 (MANE Select); coding-DNA position 1646, T replaced by G.
Protein change: p.Val549Gly; replaces valine 549 with glycine.
Molecular consequence: missense variant. On other transcripts: non-coding transcript variant (1).
Genome position (GRCh38, 1-based): chr7:5,987,119, A>C on the plus strand (T>G on the coding strand, the complement: PMS2 is on the minus strand). VCF-style: chr7-5987119-A-C. GRCh37 (hg19) VCF-style: chr7-6026750-A-C.
Other names: c.1241T>G, p.Val414Gly (NM_001322003.2, NM_001322004.2, NM_001322005.2 and 1 more transcripts); c.1490T>G, p.Val497Gly (NM_001322006.2); c.1328T>G, p.Val443Gly (NM_001322007.2, NM_001322008.2); c.1085T>G, p.Val362Gly (NM_001322010.2); c.713T>G, p.Val238Gly (NM_001322011.2, NM_001322012.2); c.1073T>G, p.Val358Gly (NM_001322013.2); c.1646T>G, p.Val549Gly (NM_001322014.2); c.1337T>G, p.Val446Gly (NM_001322015.2); short protein forms V549G, V362G, V497G, V358G, V443G, V238G, V446G, V414G.
Identifiers: ClinVar variation 480940 (VCV000480940.18), dbSNP rs779150753, ClinGen allele CA044980.
Genomic context (GRCh38, chr7:5,987,119, plus strand): 5'-GTTGGCTGAGGCAAAACTCGAAATTTACATCCGGTATCTTCCTGGTTTGAATGGCAGTCC[A>C]CATCTGAAAAAGAGTCGTCAGTTTTAGGCGCTTTCTCCTGAGAGTCCACATGTTCCTGCG-3'
Protein context (NP_000526.2, residues 539-559): APKTDDSFSD[Val549Gly]DCHSNQEDTG

ClinVar aggregate classification (germline): Conflicting classifications of pathogenicity. Review status: criteria provided, conflicting classifications (1 of 4 stars). 4 submissions from 4 submitters: Uncertain significance (3); Likely benign (1). Last evaluated 2025-03-12.

Conditions:
Mismatch repair cancer syndrome 4. Identifiers: MedGen C5436817, MONDO:0030843, OMIM 619101.
Hereditary cancer-predisposing syndrome. Also called: Hereditary Cancer Syndrome; Neoplastic Syndromes, Hereditary; Tumor predisposition; Hereditary neoplastic syndrome. Identifiers: Orphanet 140162, MedGen C0027672, MeSH D009386, MONDO:0015356.
Lynch syndrome. Identifiers: Orphanet 144, MedGen C4552100, MONDO:0005835. Disease mechanism: loss of function.
Hereditary nonpolyposis colorectal neoplasms. Identifiers: MedGen C0009405, MeSH D003123.

Allele frequency attached by ClinVar (database versions not stated): gnomAD exomes below 0.00001 and 0.00001; ExAC 0.00001.
gnomAD v4.1: 7 of 1,614,116 alleles (0.00043%); highest among the groups gnomAD compares: African/African-American, 0.0013%; no homozygotes.

Submissions (4):

Labcorp Genetics (formerly Invitae), Labcorp
Classification: Uncertain significance for Hereditary nonpolyposis colorectal neoplasms. Last evaluated: 2025-03-12. Review status: criteria provided, single submitter. Criteria: Invitae Variant Classification Sherloc (09022015). Collection method: clinical testing. Allele origin: germline.
Comment: This sequence change replaces valine, which is neutral and non-polar, with glycine, which is neutral and non-polar, at codon 549 of the PMS2 protein (p.Val549Gly). This variant is present in population databases (rs779150753, gnomAD 0.0009%). This variant has not been reported in the literature in individuals affected with PMS2-related conditions. ClinVar contains an entry for this variant (Variation ID: 480940). Invitae Evidence Modeling incorporating data from in vitro experimental studies (internal data) indicates that this missense variant is not expected to disrupt PMS2 function with a negative predictive value of 95%. In summary, the available evidence is currently insufficient to determine the role of this variant in disease. Therefore, it has been classified as a Variant of Uncertain Significance.

Ambry Genetics
Classification: Likely benign for Hereditary cancer-predisposing syndrome. Last evaluated: 2024-09-04. Review status: criteria provided, single submitter. Criteria: Ambry Variant Classification Scheme 2023. Collection method: clinical testing. Allele origin: germline.

All of Us Research Program, National Institutes of Health
Classification: Uncertain significance for Lynch syndrome. Last evaluated: 2023-05-31. Review status: criteria provided, single submitter. Criteria: ACMG Guidelines, 2015. Collection method: clinical testing. Allele origin: germline. Inheritance: Autosomal dominant inheritance. Observed: 1 variant allele, 1 heterozygote.
Comment: This study involves interpretation of variants in research participants for the purpose of population health screening. Participant phenotype was not available at the time of variant classification. Additional details can be found in publication PMID: 35346344, PMCID: PMC8962531

Department of Pathology and Laboratory Medicine, Sinai Health System
Classification: Uncertain significance for Mismatch repair cancer syndrome 4. Last evaluated: 2021-12-23. Review status: criteria provided, single submitter. Criteria: ACMG Guidelines, 2015. Collection method: clinical testing. Allele origin: germline. Affected: yes.